The following is an entry in ClinVar:

NM_022772.4(EPS8L2):c.148_149insGGACA (p.Ser50fs)

Gene: EPS8L2 (EPS8 signaling adaptor L2; plus strand). Cytogenetic location: 11p15.5.
Variant type: Insertion.
Coding change: c.148_149insGGACA on transcript NM_022772.4 (MANE Select); coding-DNA positions 148 to 149, GGACA inserted.
Protein change: p.Ser50fs; shifts the reading frame from serine 50.
Molecular consequence: frameshift variant.
Genome position: GRCh38 VCF-style: chr11-710469-T-TGGACA. GRCh37 (hg19) VCF-style: chr11-710469-T-TGGACA.
Other names: NM_022772.3:c.148_159insGGACA; short protein forms S50fs.
Identifiers: ClinVar variation 1334120 (VCV001334120.2), dbSNP rs2133499883, ClinGen allele CA2573053558.

ClinVar aggregate classification (germline): Pathogenic (1 of 4 stars; one submission).

Conditions:
Hearing loss, autosomal recessive 106. Also called: DEAFNESS, AUTOSOMAL RECESSIVE 106. Identifiers: MedGen C4539954, MONDO:0033198, OMIM 617637.

Submission:

King Laboratory, University of Washington
Classification: Pathogenic for Hearing loss, autosomal recessive 106. Last evaluated: 2020-08-01. Review status: criteria provided, single submitter. Criteria: Abu Rayyan A et al. (Proc Natl Acad Sci U S A 2020). Collection method: research. Allele origin: germline. Affected: yes.
Comment: EPS8L2 c.148insGGACA leads to a stop at codon 84. The variant is absent from 1300 Palestinian controls and absent from gnomAD v2.1.1.